The following is an entry in ClinVar:

NM_000465.4(BARD1):c.199del (p.Glu67fs)

Gene: BARD1 (BRCA1 associated RING domain 1; minus strand). Cytogenetic location: 2q35.
Variant type: Deletion.
Coding change: c.199del on transcript NM_000465.4 (MANE Select); coding-DNA position 199, one base deleted (G; older notation c.199delG).
Protein change: p.Glu67fs; shifts the reading frame from glutamic acid 67.
Molecular consequence: frameshift variant. On other transcripts: non-coding transcript variant (2), intron variant (2).
Genome position (GRCh38, 1-based): chr2:214,797,077, C deleted on the plus strand (G on the coding strand, the reverse complement: BARD1 is on the minus strand). VCF-style (leftmost placement, unchanged base first): chr2-214797076-TC-T. GRCh37 (hg19) VCF-style: chr2-215661800-TC-T.
Other names: c.199del, p.Glu67fs (NM_001282545.2, NM_001282549.2); c.158+12335del (NM_001282548.2); c.159-4632del (NM_001282543.2); c.199delG (NM_000465.2); short protein forms E67fs.
Identifiers: ClinVar variation 2583702 (VCV002583702.3), dbSNP rs2469581775, ClinGen allele CA2582342074.

ClinVar aggregate classification (germline): Pathogenic. Review status: criteria provided, multiple submitters, no conflicts (2 of 4 stars). 2 submissions from 2 submitters: Pathogenic (2). Last evaluated 2026-08-20.

Conditions:
Familial cancer of breast. Also called: BREAST CANCER, FAMILIAL; hereditary breast carcinoma; Hereditary breast cancer. Identifiers: Orphanet 227535, MedGen C0346153, MONDO:0016419, OMIM 114480. Disease mechanism: loss of function.
Hereditary cancer-predisposing syndrome. Also called: Hereditary neoplastic syndrome; Hereditary Cancer Syndrome; Neoplastic Syndromes, Hereditary; Tumor predisposition. Identifiers: Orphanet 140162, MedGen C0027672, MeSH D009386, MONDO:0015356.

Submissions (2):

Ambry Genetics
Classification: Pathogenic for Hereditary cancer-predisposing syndrome. Last evaluated: 2026-08-20. Review status: criteria provided, single submitter. Criteria: Ambry Variant Classification Scheme 2023. Collection method: clinical testing. Allele origin: germline.
Comment: The c.199delG pathogenic mutation, located in coding exon 2 of the BARD1 gene, results from a deletion of one nucleotide at nucleotide position 199, causing a translational frameshift with a predicted alternate stop codon (p.E67Sfs*9). This variant is considered to be rare based on population cohorts in the Genome Aggregation Database (gnomAD). This alteration is expected to result in loss of function by premature protein truncation or nonsense-mediated mRNA decay. As such, this alteration is interpreted as a disease-causing mutation.

Myriad Genetics, Inc.
Classification: Pathogenic for Familial cancer of breast. Last evaluated: 2023-05-18. Review status: criteria provided, single submitter. Criteria: Myriad Autosomal Dominant, Autosomal Recessive and X-Linked Classification Criteria (2023). Collection method: clinical testing. Allele origin: unknown.
Comment: This variant is considered pathogenic. This variant creates a frameshift predicted to result in premature protein truncation.